The following is an entry in ClinVar:

NM_004172.5(SLC1A3):c.94A>C (p.Lys32Gln)

Gene: SLC1A3 (solute carrier family 1 member 3; plus strand). Cytogenetic location: 5p13.2.
Variant type: single nucleotide variant.
Coding change: c.94A>C on transcript NM_004172.5 (MANE Select); coding-DNA position 94, A replaced by C.
Protein change: p.Lys32Gln; replaces lysine 32 with glutamine.
Molecular consequence: missense variant.
Genome position (GRCh38, 1-based): chr5:36,608,517, A>C. VCF-style: chr5-36608517-A-C. GRCh37 (hg19) VCF-style: chr5-36608619-A-C.
Other names: c.94A>C, p.Lys32Gln (NM_001166695.3, NM_001166696.3, NM_001289939.2 and 1 more transcripts); short protein forms K32Q.
Identifiers: ClinVar variation 2865950 (VCV002865950.3), dbSNP rs2477871633, ClinGen allele CA359485734.

ClinVar aggregate classification (germline): Uncertain significance (1 of 4 stars; one submission).

Submission:

Labcorp Genetics (formerly Invitae), Labcorp
Classification: Uncertain significance. Last evaluated: 2024-04-29. Review status: criteria provided, single submitter. Criteria: Invitae Variant Classification Sherloc (09022015). Collection method: clinical testing. Allele origin: germline.
Comment: This sequence change replaces lysine, which is basic and polar, with glutamine, which is neutral and polar, at codon 32 of the SLC1A3 protein (p.Lys32Gln). This variant is not present in population databases (gnomAD no frequency). This variant has not been reported in the literature in individuals affected with SLC1A3-related conditions. An algorithm developed to predict the effect of missense changes on protein structure and function (PolyPhen-2) suggests that this variant is likely to be tolerated. In summary, the available evidence is currently insufficient to determine the role of this variant in disease. Therefore, it has been classified as a Variant of Uncertain Significance.